The following is an entry in ClinVar:

ClinVar aggregate classification (germline): Likely benign. Review status: criteria provided, multiple submitters, no conflicts (2 of 4 stars). 5 submissions from 5 submitters: Likely benign (4). 1 of the submissions does not count toward it. Last evaluated 2026-07-01.

Conditions:
Inborn genetic diseases. Identifiers: MedGen C0950123, MeSH D030342.
MDH2-related disorder. Also called: MDH2-related condition.

Allele frequency attached by ClinVar (database versions not stated): ESP Exome Variant Server 0.00008; ExAC 0.00012; gnomAD exomes 0.00012 and 0.00019; 1000 Genomes Project 30x 0.00016; gnomAD 0.00019 and 0.00021; 1000 Genomes Project 0.00020; TOPMed 0.00022.
gnomAD v4.1: 215 of 1,613,608 alleles (0.013%); highest among the groups gnomAD compares: Middle Eastern, 0.15%; 3 homozygotes.

Submissions (5):

CeGaT Center for Human Genetics Tuebingen
Classification: Likely benign. Last evaluated: 2026-07-01. Review status: criteria provided, single submitter. Criteria: CeGaT Center For Human Genetics Tuebingen Variant Classification Criteria Version 2. Collection method: clinical testing. Allele origin: germline. Affected: yes. Observed: 8 variant alleles.
Comment: MDH2: BP4, BP7

Labcorp Genetics (formerly Invitae), Labcorp
Classification: Likely benign. Last evaluated: 2026-01-26. Review status: criteria provided, single submitter. Criteria: Invitae Variant Classification Sherloc (09022015). Collection method: clinical testing. Allele origin: germline.

Blueprint Genetics
Classification: Likely benign. Last evaluated: 2024-10-24. Review status: criteria provided, single submitter. Criteria: ACMG Guidelines, 2015. Collection method: clinical testing. Allele origin: germline.

Ambry Genetics
Classification: Likely benign for Inborn genetic diseases. Last evaluated: 2022-02-26. Review status: criteria provided, single submitter. Criteria: Ambry Variant Classification Scheme 2023. Collection method: clinical testing. Allele origin: germline.

PreventionGenetics, part of Exact Sciences
Classification: Likely benign for MDH2-related condition. Last evaluated: 2019-07-17. Review status: no assertion criteria provided. Collection method: clinical testing. Allele origin: germline. Not counted in ClinVar's aggregate classification.
Comment: This variant is classified as likely benign based on ACMG/AMP sequence variant interpretation guidelines (Richards et al. 2015 PMID: 25741868, with internal and published modifications).

NM_005918.4(MDH2):c.735C>T (p.Gly245=)

Gene: MDH2 (malate dehydrogenase 2; plus strand). Cytogenetic location: 7q11.23.
Variant type: single nucleotide variant.
Coding change: c.735C>T on transcript NM_005918.4 (MANE Select); coding-DNA position 735, C replaced by T.
Protein change: p.Gly245=; no amino-acid change (glycine 245 retained).
Molecular consequence: synonymous variant.
Genome position (GRCh38, 1-based): chr7:76,064,803, C>T. VCF-style: chr7-76064803-C-T. GRCh37 (hg19) VCF-style: chr7-75694121-C-T.
Other names: c.609C>T, p.Gly203= (NM_001282403.2); c.414C>T, p.Gly138= (NM_001282404.2).
Identifiers: ClinVar variation 792995 (VCV000792995.47), dbSNP rs145607211, ClinGen allele CA4305697.